The following is an entry in ClinVar:

NM_006516.4(SLC2A1):c.750G>A (p.Gln250=)

Gene: SLC2A1 (solute carrier family 2 member 1; minus strand). Cytogenetic location: 1p34.2.
Variant type: single nucleotide variant.
Coding change: c.750G>A on transcript NM_006516.4 (MANE Select); coding-DNA position 750, G replaced by A.
Protein change: p.Gln250=; no amino-acid change (glutamine 250 retained).
Molecular consequence: synonymous variant.
Genome position (GRCh38, 1-based): chr1:42,929,710, C>T on the plus strand (G>A on the coding strand, the complement: SLC2A1 is on the minus strand). VCF-style: chr1-42929710-C-T. GRCh37 (hg19) VCF-style: chr1-43395381-C-T.
Identifiers: ClinVar variation 514622 (VCV000514622.8), dbSNP rs1553156067, ClinGen allele CA417543411.

ClinVar aggregate classification (germline): Likely benign. Review status: criteria provided, multiple submitters, no conflicts (2 of 4 stars). 7 submissions from 3 submitters: Likely benign (7). Last evaluated 2023-04-11.

Conditions:
Hereditary cryohydrocytosis with reduced stomatin. Also called: Stomatin-deficient cryohydrocytosis with neurologic defects; GLUT1 DEFICIENCY SYNDROME WITH PSEUDOHYPERKALEMIA AND HEMOLYSIS. Identifiers: Orphanet 168577, MedGen C1837206, MONDO:0012143, OMIM 608885.
Dystonia 9 (DYT9). Also called: CHOREOATHETOSIS, KINESIGENIC, WITH EPISODIC ATAXIA AND SPASTICITY. Identifiers: Orphanet 53583, MedGen C1832855, MONDO:0010983, OMIM 601042.
Epilepsy, idiopathic generalized, susceptibility to, 12 (EIG12). Identifiers: MedGen C3553859, MONDO:0013919, OMIM 614847.
Encephalopathy due to GLUT1 deficiency. Also called: GLUT1 deficiency syndrome 1, infantile onset, severe; GLUT1 deficiency syndrome 1; De Vivo disease; Classic Glucose Transporter Type 1 Deficiency Syndrome; GLUCOSE TRANSPORT DEFECT, BLOOD-BRAIN BARRIER; Glucose transporter protein syndrome. Identifiers: Orphanet 71277, MedGen C4551966, MONDO:0011724, OMIM 606777.
GLUT1 deficiency syndrome 1, autosomal recessive. Identifiers: MedGen C3149117.
Childhood onset GLUT1 deficiency syndrome 2. Also called: PxMD-SLC2A1; PAROXYSMAL EXERCISE-INDUCED DYSKINESIA WITH OR WITHOUT EPILEPSY AND/OR HEMOLYTIC ANEMIA; PAROXYSMAL EXERTION-INDUCED DYSTONIA WITH OR WITHOUT EPILEPSY AND/OR HEMOLYTIC ANEMIA; PED WITH OR WITHOUT EPILEPSY AND/OR HEMOLYTIC ANEMIA; Exertion-induced paroxysmal dyskinesia; Paroxysmal exercise-induced dystonia. Identifiers: Orphanet 98811, MedGen C1842534, MONDO:0012805, OMIM 612126.

Allele frequency attached by ClinVar (database versions not stated): gnomAD exomes below 0.00001; TOPMed below 0.00001.

Submissions (7):

Genome-Nilou Lab
Classification: Likely benign for Epilepsy, idiopathic generalized, susceptibility to, 12. Last evaluated: 2023-04-11. Review status: criteria provided, single submitter. Criteria: ACMG Guidelines, 2015. Collection method: clinical testing. Allele origin: germline. Affected: no.

Genome-Nilou Lab
Classification: Likely benign for Dystonia 9. Last evaluated: 2023-04-11. Review status: criteria provided, single submitter. Criteria: ACMG Guidelines, 2015. Collection method: clinical testing. Allele origin: germline. Affected: no.

Genome-Nilou Lab
Classification: Likely benign for Encephalopathy due to GLUT1 deficiency. Last evaluated: 2023-04-11. Review status: criteria provided, single submitter. Criteria: ACMG Guidelines, 2015. Collection method: clinical testing. Allele origin: germline. Affected: no.

Genome-Nilou Lab
Classification: Likely benign for Childhood onset GLUT1 deficiency syndrome 2. Last evaluated: 2023-04-11. Review status: criteria provided, single submitter. Criteria: ACMG Guidelines, 2015. Collection method: clinical testing. Allele origin: germline. Affected: no.

Genome-Nilou Lab
Classification: Likely benign for Hereditary cryohydrocytosis with reduced stomatin. Last evaluated: 2023-04-11. Review status: criteria provided, single submitter. Criteria: ACMG Guidelines, 2015. Collection method: clinical testing. Allele origin: germline. Affected: no.

Labcorp Genetics (formerly Invitae), Labcorp
Classification: Likely benign for GLUT1 deficiency syndrome 1, autosomal recessive. Last evaluated: 2022-06-11. Review status: criteria provided, single submitter. Criteria: Invitae Variant Classification Sherloc (09022015). Collection method: clinical testing. Allele origin: germline.

GeneDx
Classification: Likely benign. Last evaluated: 2018-01-09. Review status: criteria provided, single submitter. Criteria: GeneDx Variant Classification (06012015). Collection method: clinical testing. Allele origin: germline. Affected: yes.
Comment: This variant is considered likely benign or benign based on one or more of the following criteria: it is a conservative change, it occurs at a poorly conserved position in the protein, it is predicted to be benign by multiple in silico algorithms, and/or has population frequency not consistent with disease.